The following is an entry in ClinVar:

ClinVar aggregate classification (germline): Uncertain significance (1 of 4 stars; one submission).

Conditions:
Cardiomyopathy (CMYO). Also called: Cardiomyopathies. Identifiers: Orphanet 167848, MedGen C0878544, MONDO:0004994, HP:0001638. Inheritance: Various modes of inheritance.

gnomAD v4.1: 1 of 1,614,130 alleles (0.000062%); highest among the groups gnomAD compares: Non-Finnish European, 0.000085%; no homozygotes.

Submission:

Color Diagnostics, LLC DBA Color Health
Classification: Uncertain significance for Cardiomyopathy. Last evaluated: 2025-06-17. Review status: criteria provided, single submitter. Criteria: ACMG Guidelines, 2015. Collection method: clinical testing. Allele origin: germline.
Comment: This missense variant replaces serine with phenylalanine at codon 280 of the DSP protein. Computational prediction is inconclusive regarding the impact of this variant on protein structure and function. To our knowledge, functional studies have not been reported for this variant. This variant has not been reported in individuals affected with DSP-related disorders in the literature. This variant has not been identified in the general population by the Genome Aggregation Database (gnomAD). The available evidence is insufficient to determine the role of this variant in disease conclusively. Therefore, this variant is classified as a Variant of Uncertain Significance.

NM_004415.4(DSP):c.839C>T (p.Ser280Phe)

Gene: DSP (desmoplakin; plus strand). Cytogenetic location: 6p24.3.
Variant type: single nucleotide variant.
Coding change: c.839C>T on transcript NM_004415.4 (MANE Select); coding-DNA position 839, C replaced by T.
Protein change: p.Ser280Phe; replaces serine 280 with phenylalanine.
Molecular consequence: missense variant.
Genome position (GRCh38, 1-based): chr6:7,565,420, C>T. VCF-style: chr6-7565420-C-T. GRCh37 (hg19) VCF-style: chr6-7565653-C-T.
Other names: c.839C>T, p.Ser280Phe (NM_001008844.3, NM_001319034.2, NM_001406591.1); short protein forms S280F.
Identifiers: ClinVar variation 4758544 (VCV004758544.1).